The following is an entry in ClinVar:

NM_004525.3(LRP2):c.6257C>G (p.Thr2086Ser)

Gene: LRP2 (LDL receptor related protein 2; minus strand). Cytogenetic location: 2q31.1.
Variant type: single nucleotide variant.
Coding change: c.6257C>G on transcript NM_004525.3 (MANE Select); coding-DNA position 6257, C replaced by G.
Protein change: p.Thr2086Ser; replaces threonine 2086 with serine.
Molecular consequence: missense variant.
Genome position (GRCh38, 1-based): chr2:169,211,991, G>C on the plus strand (C>G on the coding strand, the complement: LRP2 is on the minus strand). VCF-style: chr2-169211991-G-C. GRCh37 (hg19) VCF-style: chr2-170068501-G-C.
Other names: short protein forms T2086S.
Identifiers: ClinVar variation 1461482 (VCV001461482.8), dbSNP rs2105340796, ClinGen allele CA349130888.

ClinVar aggregate classification (germline): Uncertain significance (1 of 4 stars; one submission).

Submission:

Labcorp Genetics (formerly Invitae), Labcorp
Classification: Uncertain significance. Last evaluated: 2022-07-06. Review status: criteria provided, single submitter. Criteria: Invitae Variant Classification Sherloc (09022015). Collection method: clinical testing. Allele origin: germline.
Comment: In summary, the available evidence is currently insufficient to determine the role of this variant in disease. Therefore, it has been classified as a Variant of Uncertain Significance. Advanced modeling of protein sequence and biophysical properties (such as structural, functional, and spatial information, amino acid conservation, physicochemical variation, residue mobility, and thermodynamic stability) performed at Invitae indicates that this missense variant is not expected to disrupt LRP2 protein function. ClinVar contains an entry for this variant (Variation ID: 1461482). This variant has not been reported in the literature in individuals affected with LRP2-related conditions. This variant is not present in population databases (gnomAD no frequency). This sequence change replaces threonine, which is neutral and polar, with serine, which is neutral and polar, at codon 2086 of the LRP2 protein (p.Thr2086Ser).